The following is an entry in ClinVar:

NM_003839.4(TNFRSF11A):c.114G>C (p.Lys38Asn)

Gene: TNFRSF11A (TNF receptor superfamily member 11a; plus strand). Cytogenetic location: 18q21.33.
Variant type: single nucleotide variant.
Coding change: c.114G>C on transcript NM_003839.4 (MANE Select); coding-DNA position 114, G replaced by C.
Protein change: p.Lys38Asn; replaces lysine 38 with asparagine.
Molecular consequence: missense variant.
Genome position (GRCh38, 1-based): chr18:62,348,206, G>C. VCF-style: chr18-62348206-G-C. GRCh37 (hg19) VCF-style: chr18-60015439-G-C.
Other names: c.114G>C, p.Lys38Asn (NM_001270949.2, NM_001270950.2, NM_001270951.2 and 1 more transcripts); short protein forms K38N.
Identifiers: ClinVar variation 1721888 (VCV001721888.5), dbSNP rs2513285105, ClinGen allele CA402609836.
Genomic context (GRCh38, chr18:62,348,206, plus strand): 5'-CTGACCTCAGTGTTCTTTTCAGGTGGCTTTGCAGATCGCTCCTCCATGTACCAGTGAGAA[G>C]CATTATGAGCATCTGGGACGGTGCTGTAACAAATGTGAACCAGGTACACCTGCTTCTGAG-3'
Protein context (NP_003830.1, residues 28-48): LQIAPPCTSE[Lys38Asn]HYEHLGRCCN

ClinVar aggregate classification (germline): Uncertain significance (1 of 4 stars; one submission).

Submission:

Labcorp Genetics (formerly Invitae), Labcorp
Classification: Uncertain significance. Last evaluated: 2025-11-21. Review status: criteria provided, single submitter. Criteria: Invitae Variant Classification Sherloc (09022015). Collection method: clinical testing. Allele origin: germline.
Comment: This sequence change replaces lysine, which is basic and polar, with asparagine, which is neutral and polar, at codon 38 of the TNFRSF11A protein (p.Lys38Asn). This variant is not present in population databases (gnomAD no frequency). This variant has not been reported in the literature in individuals affected with TNFRSF11A-related conditions. ClinVar contains an entry for this variant (Variation ID: 1721888). Invitae Evidence Modeling of protein sequence and biophysical properties (such as structural, functional, and spatial information, amino acid conservation, physicochemical variation, residue mobility, and thermodynamic stability) indicates that this missense variant is not expected to disrupt TNFRSF11A protein function with a negative predictive value of 80%. In summary, the available evidence is currently insufficient to determine the role of this variant in disease. Therefore, it has been classified as a Variant of Uncertain Significance.